The following continues an entry in ClinVar:

NM_024675.4(PALB2):c.3306C>G (p.Ser1102Arg)

Gene: PALB2. ClinVar aggregate classification (germline): Uncertain significance. Uncertain significance (12).

Submissions 10 to 14 of 14:

Sema4
Classification: Uncertain significance for Hereditary cancer-predisposing syndrome. Last evaluated: 2022-01-09. Review status: criteria provided, single submitter. Criteria: Sema4 Curation Guidelines. Collection method: curation. Allele origin: germline.
Comment: The PALB2 c.3306C>G (p.S1102R) variant has been reported in heterozygosity in at least 4 individuals with breast cancer (PMID:26489409, 27573125, 22692731,33980423), in one individual with esophageal squamous cell carcinoma (PMID: 21279724) and in one individual with colon and pancreatic cancer (DOI: 10.32604/oncologie.2020.014120). It has been reported in a large case-control study of breast cancer in 1/60466 cases and 0/53461 controls (PMID: 33471991). It was observed in 1/113752 chromosomes of the European (non-Finnish) subpopulation in the large and broad cohorts of the Genome Aggregation Database (PMID: 32461654). This variant has been reported in ClinVar (Variation ID 126731). In silico tools suggest the impact of the variant on protein function is inconclusive, however, functional studies demonstrated this variant does not affect PALB2 protein function (PMID: 31586400, 31636395). The evidence is insufficient to meet ACMG/AMP criteria for classifying the variant as benign or pathogenic. Thus, the clinical significance of this variant is currently uncertain.

Color Diagnostics, LLC DBA Color Health
Classification: Uncertain significance for Hereditary cancer-predisposing syndrome. Last evaluated: 2022-01-05. Review status: criteria provided, single submitter. Criteria: ACMG Guidelines, 2015. Collection method: clinical testing. Allele origin: germline.
Comment: This missense variant replaces serine with arginine at codon 1102 of the PALB2 protein. Computational prediction suggests that this variant may not impact protein structure and function (internally defined REVEL score threshold <= 0.5, PMID: 27666373). To our knowledge, functional studies have not been reported for this variant. This variant has been reported in individuals affected with breast cancer (PMID: 27573125, 33471991, 33980423). This variant has been identified in 2/251476 chromosomes in the general population by the Genome Aggregation Database (gnomAD). The available evidence is insufficient to determine the role of this variant in disease conclusively. Therefore, this variant is classified as a Variant of Uncertain Significance.

GeneKor MSA
Classification: Uncertain significance for Hereditary cancer-predisposing syndrome. Last evaluated: 2018-08-01. Review status: criteria provided, single submitter. Criteria: ACMG Guidelines, 2015. Collection method: clinical testing. Allele origin: germline. Affected: yes.

Leiden Open Variation Database
Classification: Uncertain significance for Familial cancer of breast. Last evaluated: 2019-05-13. Review status: no assertion criteria provided. Collection method: curation. Allele origin: germline. Affected: yes. Not counted in ClinVar's aggregate classification.
Comment: Curators: Marc Tischkowitz, Arleen D. Auerbach. Submitter to LOVD: Marc Tischkowitz.

Counsyl
Classification: Uncertain significance for Familial cancer of breast. Last evaluated: 2017-06-27. Review status: no assertion criteria provided. Collection method: clinical testing. Allele origin: unknown. Not counted in ClinVar's aggregate classification.

Literature cited by the submitters: PubMed 39518003 (cited by Center for Genomic Medicine, Rigshospitalet, Copenhagen University Hospital and Ambry Genetics); PubMed 30890586 (cited by Center for Genomic Medicine, Rigshospitalet, Copenhagen University Hospital and Labcorp Genetics (formerly Invitae), Labcorp); PubMed 31636395 (cited by 5 submitters); PubMed 31586400 (cited by 3 submitters); PubMed 26489409 (cited by 5 submitters); PubMed 27573125 (cited by 6 submitters); PubMed 21279724 (cited by 5 submitters); PubMed 22692731 (cited by 6 submitters); PubMed 33980423 (cited by 4 submitters); PubMed 31159747 (cited by Ambry Genetics and Women's Health and Genetics/Laboratory Corporation of America, LabCorp); PubMed 33195396 (cited by Women's Health and Genetics/Laboratory Corporation of America, LabCorp); PubMed 33139182 (cited by Women's Health and Genetics/Laboratory Corporation of America, LabCorp); PubMed 33471991 (cited by Sema4 and Color Diagnostics, LLC DBA Color Health).